The following is an entry in ClinVar:

NM_001572.5(IRF7):c.428C>T (p.Ala143Val)

Gene: IRF7 (interferon regulatory factor 7; minus strand). Cytogenetic location: 11p15.5.
Variant type: single nucleotide variant.
Coding change: c.428C>T on transcript NM_001572.5 (MANE Select); coding-DNA position 428, C replaced by T.
Protein change: p.Ala143Val; replaces alanine 143 with valine.
Molecular consequence: missense variant.
Genome position (GRCh38, 1-based): chr11:614,501, G>A on the plus strand (C>T on the coding strand, the complement: IRF7 is on the minus strand). VCF-style: chr11-614501-G-A. GRCh37 (hg19) VCF-style: chr11-614501-G-A.
Other names: c.428C>T, p.Ala143Val (NM_004029.4); c.467C>T, p.Ala156Val (NM_004031.4); short protein forms A143V, A156V.
Identifiers: ClinVar variation 1494206 (VCV001494206.8), dbSNP rs764032119, ClinGen allele CA378982579.
Genomic context (GRCh38, chr11:614,501, plus strand): 5'-CTGGCAGGAGGAGAGGCAGGCAGAGAGAAGGGTACCTGTGGTGGTGGGACAGCTGCGGGG[G>A]CCTCTGCCTCAGTCTGGTCCGTGCCTGGGCCTTCTGAGAGAGAATGGGGCAGGCGTTAGG-3'
Protein context (NP_001563.2, residues 133-153): GPGTDQTEAE[Ala143Val]PAAVPPPQGG

ClinVar aggregate classification (germline): Uncertain significance (1 of 4 stars; one submission).

Conditions:
Immunodeficiency 39 (IMD39). Identifiers: Orphanet 574918, MedGen C4225358, MONDO:0014597, OMIM 616345.

Allele frequency attached by ClinVar (database versions not stated): TOPMed below 0.00001.

Submission:

Labcorp Genetics (formerly Invitae), Labcorp
Classification: Uncertain significance for Immunodeficiency 39. Last evaluated: 2020-10-27. Review status: criteria provided, single submitter. Criteria: Invitae Variant Classification Sherloc (09022015). Collection method: clinical testing. Allele origin: germline.
Comment: This sequence change replaces alanine with valine at codon 156 of the IRF7 protein (p.Ala156Val). The alanine residue is weakly conserved and there is a small physicochemical difference between alanine and valine. This variant is not present in population databases (ExAC no frequency). This variant has not been reported in the literature in individuals with IRF7-related conditions. Algorithms developed to predict the effect of missense changes on protein structure and function output the following: SIFT: "Tolerated"; PolyPhen-2: "Benign"; Align-GVGD: "Class C0". The valine amino acid residue is found in multiple mammalian species, suggesting that this missense change does not adversely affect protein function. These predictions have not been confirmed by published functional studies and their clinical significance is uncertain. In summary, the available evidence is currently insufficient to determine the role of this variant in disease. Therefore, it has been classified as a Variant of Uncertain Significance.